The following is an entry in ClinVar:

NM_022168.4(IFIH1):c.1710G>A (p.Met570Ile)

Gene: IFIH1 (interferon induced with helicase C domain 1; minus strand). Cytogenetic location: 2q24.2.
Variant type: single nucleotide variant.
Coding change: c.1710G>A on transcript NM_022168.4 (MANE Select); coding-DNA position 1710, G replaced by A.
Protein change: p.Met570Ile; replaces methionine 570 with isoleucine.
Molecular consequence: missense variant.
Genome position (GRCh38, 1-based): chr2:162,278,260, C>T on the plus strand (G>A on the coding strand, the complement: IFIH1 is on the minus strand). VCF-style: chr2-162278260-C-T. GRCh37 (hg19) VCF-style: chr2-163134770-C-T.
Other names: c.1710G>A (NM_022168.2); short protein forms M570I.
Identifiers: ClinVar variation 845324 (VCV000845324.32), dbSNP rs776280813, ClinGen allele CA1934430.
Genomic context (GRCh38, chr2:162,278,260, plus strand): 5'-ATTACCTTTTTTTTCCATTTGAATGGCCCATTGTTCATAGGGTTGAGTTCCAAAATCTGA[C>T]ATTGGACTCATTTGACAATAAGTTTGAATCCTTGTCATTATTTCTAGAAGTTTCTCTTTA-3'
Protein context (NP_071451.2, residues 560-580): RIQTYCQMSP[Met570Ile]SDFGTQPYEQ

ClinVar aggregate classification (germline): Conflicting classifications of pathogenicity. Review status: criteria provided, conflicting classifications (1 of 4 stars). 4 submissions from 4 submitters: Uncertain significance (3); Likely benign (1). Last evaluated 2025-10-17.

Conditions:
Singleton-Merten syndrome 1 (SGMRT1). Also called: Widened medullary cavities of bone, aortic calcification, abnormal dentition, and muscular weakness; Syndrome of widened medullary cavities of the metacarpals and phalanges, aortic calcification and abnormal dentition. Identifiers: Orphanet 85191, MedGen C4225427, MONDO:0024535, OMIM 182250.
Aicardi-Goutieres syndrome 7 (AGS7). Identifiers: Orphanet 51, MedGen C3888244, MONDO:0014367, OMIM 615846.
Inborn genetic diseases. Identifiers: MedGen C0950123, MeSH D030342.

Allele frequency attached by ClinVar (database versions not stated): ExAC 0.00001; gnomAD 0.00001; gnomAD exomes 0.00001; TOPMed 0.00001.
gnomAD v4.1: 21 of 1,574,842 alleles (0.0013%); highest among the groups gnomAD compares: Middle Eastern, 0.17%; no homozygotes.

Submissions (4):

Ambry Genetics
Classification: Uncertain significance for Inborn genetic diseases. Last evaluated: 2025-10-17. Review status: criteria provided, single submitter. Criteria: Ambry Variant Classification Scheme 2023. Collection method: clinical testing. Allele origin: germline.

CeGaT Center for Human Genetics Tuebingen
Classification: Likely benign. Last evaluated: 2023-11-01. Review status: criteria provided, single submitter. Criteria: CeGaT Center For Human Genetics Tuebingen Variant Classification Criteria Version 2. Collection method: clinical testing. Allele origin: germline. Affected: yes. Observed: 1 variant allele.
Comment: IFIH1: BP4

Labcorp Genetics (formerly Invitae), Labcorp
Classification: Uncertain significance for Aicardi-Goutieres syndrome 7; Singleton-Merten syndrome 1. Last evaluated: 2023-06-22. Review status: criteria provided, single submitter. Criteria: Invitae Variant Classification Sherloc (09022015). Collection method: clinical testing. Allele origin: germline.
Comment: This sequence change replaces methionine, which is neutral and non-polar, with isoleucine, which is neutral and non-polar, at codon 570 of the IFIH1 protein (p.Met570Ile). This variant is present in population databases (rs776280813, gnomAD no frequency). This variant has not been reported in the literature in individuals affected with IFIH1-related conditions. ClinVar contains an entry for this variant (Variation ID: 845324). Advanced modeling performed at Invitae incorporating data from internal and/or published experimental studies (Invitae) indicates that this missense variant is not expected to disrupt IFIH1 function. In summary, the available evidence is currently insufficient to determine the role of this variant in disease. Therefore, it has been classified as a Variant of Uncertain Significance.

GeneDx
Classification: Uncertain significance. Last evaluated: 2023-05-15. Review status: criteria provided, single submitter. Criteria: GeneDx Variant Classification Process June 2021. Collection method: clinical testing. Allele origin: germline. Affected: yes.
Comment: Not observed at significant frequency in large population cohorts (gnomAD); In silico analysis supports that this missense variant does not alter protein structure/function; Has not been previously published as pathogenic or benign to our knowledge